The following is an entry in ClinVar:

ClinVar aggregate classification (germline): Pathogenic (1 of 4 stars; one submission).

Allele frequency attached by ClinVar (database versions not stated): gnomAD exomes below 0.00001.
gnomAD v4.1: 1 of 1,614,118 alleles (0.000062%); highest among the groups gnomAD compares: Non-Finnish European, 0.000085%; no homozygotes.

Submission:

Labcorp Genetics (formerly Invitae), Labcorp
Classification: Pathogenic. Last evaluated: 2022-06-27. Review status: criteria provided, single submitter. Criteria: Invitae Variant Classification Sherloc (09022015). Collection method: clinical testing. Allele origin: germline.
Comment: This variant has not been reported in the literature in individuals affected with LAMC2-related conditions. For these reasons, this variant has been classified as Pathogenic. This sequence change creates a premature translational stop signal (p.Gln267*) in the LAMC2 gene. It is expected to result in an absent or disrupted protein product. Loss-of-function variants in LAMC2 are known to be pathogenic (PMID: 11907499, 16473856). This variant is not present in population databases (gnomAD no frequency).

Literature cited by the submitters: PubMed 11907499; PubMed 16473856.

NM_005562.3(LAMC2):c.799C>T (p.Gln267Ter)

Gene: LAMC2 (laminin subunit gamma 2; plus strand). Cytogenetic location: 1q25.3.
Variant type: single nucleotide variant.
Coding change: c.799C>T on transcript NM_005562.3 (MANE Select); coding-DNA position 799, C replaced by T.
Protein change: p.Gln267Ter; replaces glutamine 267 with a stop codon.
Molecular consequence: nonsense.
Genome position (GRCh38, 1-based): chr1:183,223,170, C>T. VCF-style: chr1-183223170-C-T. GRCh37 (hg19) VCF-style: chr1-183192305-C-T.
Other names: c.799C>T, p.Gln267Ter (NM_018891.3); short protein forms Q267*.
Identifiers: ClinVar variation 2011676 (VCV002011676.4), dbSNP rs369154667, ClinGen allele CA33973557.